The following is an entry in ClinVar:

NM_032737.4(LMNB2):c.889_891del (p.Asp297del)

Gene: LMNB2 (lamin B2; minus strand). Cytogenetic location: 19p13.3.
Variant type: Deletion.
Coding change: c.889_891del on transcript NM_032737.4 (MANE Select); coding-DNA positions 889 to 891, 3 bases deleted (GAC; older notation c.889_891delGAC).
Protein change: p.Asp297del; deletes aspartic acid 297.
Genome position (GRCh38, 1-based): chr19:2,434,878-2,434,880, GTC deleted on the plus strand (GAC on the coding strand, the reverse complement: LMNB2 is on the minus strand); deleting any 3 consecutive bases within chr19:2,434,878-2,434,882 gives the same sequence; the c. name uses the placement nearest the transcript's 3' end. VCF-style (leftmost placement, unchanged base first): chr19-2434877-TGTC-T. GRCh37 (hg19) VCF-style: chr19-2434875-TGTC-T.
Other names: short protein forms D297del.
Identifiers: ClinVar variation 3066095 (VCV003066095.1), dbSNP rs2512236253, ClinGen allele CA2584005121.

ClinVar aggregate classification (germline): Uncertain significance (1 of 4 stars; one submission).

Conditions:
Microcephaly 27, primary, autosomal dominant. Identifiers: MedGen C5543051, MONDO:0030929, OMIM 619180.

Submission:

MVZ Medizinische Genetik Mainz
Classification: Uncertain significance for Microcephaly 27, primary, autosomal dominant. Last evaluated: 2023-01-20. Review status: criteria provided, single submitter. Criteria: UK Practice Guidelines For Variant Classification V4 01 2020. Collection method: clinical testing. Allele origin: germline. Inheritance: Autosomal dominant inheritance. Affected: yes. Observed: 1 variant allele.
Comment: ACMG Criteria: PM2_SUP,PP3